The following is an entry in ClinVar:

ClinVar aggregate classification (germline): Uncertain significance. Review status: criteria provided, multiple submitters, no conflicts (2 of 4 stars). 2 submissions from 2 submitters: Uncertain significance (2). Last evaluated 2025-06-09.

Conditions:
Inborn genetic diseases. Identifiers: MedGen C0950123, MeSH D030342.
Joubert syndrome. Also called: CEREBELLOPARENCHYMAL DISORDER IV; JOUBERT-BOLTSHAUSER SYNDROME; Familial aplasia of the vermis. Identifiers: Orphanet 475, MedGen C5979921, MONDO:0018772.
Meckel-Gruber syndrome. Also called: DYSENCEPHALIA SPLANCHNOCYSTICA; GRUBER SYNDROME; Dysencephalia splachnocystica. Identifiers: Orphanet 564, MedGen C0265215, MONDO:0018921.

Allele frequency attached by ClinVar (database versions not stated): gnomAD 0.00001; TOPMed 0.00001; ESP Exome Variant Server 0.00008.
gnomAD v4.1: 2 of 1,613,864 alleles (0.00012%); highest among the groups gnomAD compares: African/African-American, 0.0027%; no homozygotes.

Submissions (2):

Ambry Genetics
Classification: Uncertain significance for Inborn genetic diseases. Last evaluated: 2025-06-09. Review status: criteria provided, single submitter. Criteria: Ambry Variant Classification Scheme 2023. Collection method: clinical testing. Allele origin: germline.

Labcorp Genetics (formerly Invitae), Labcorp
Classification: Uncertain significance for Joubert syndrome; Meckel-Gruber syndrome. Last evaluated: 2022-04-28. Review status: criteria provided, single submitter. Criteria: Invitae Variant Classification Sherloc (09022015). Collection method: clinical testing. Allele origin: germline.
Comment: This sequence change replaces alanine, which is neutral and non-polar, with aspartic acid, which is acidic and polar, at codon 472 of the TCTN1 protein (p.Ala472Asp). This variant is not present in population databases (gnomAD no frequency). This variant has not been reported in the literature in individuals affected with TCTN1-related conditions. Algorithms developed to predict the effect of missense changes on protein structure and function (SIFT, PolyPhen-2, Align-GVGD) all suggest that this variant is likely to be disruptive. In summary, the available evidence is currently insufficient to determine the role of this variant in disease. Therefore, it has been classified as a Variant of Uncertain Significance.

NM_001082538.3(TCTN1):c.1415C>A (p.Ala472Asp)

Gene: TCTN1 (tectonic family member 1; plus strand). Cytogenetic location: 12q24.11.
Variant type: single nucleotide variant.
Coding change: c.1415C>A on transcript NM_001082538.3 (MANE Select); coding-DNA position 1415, C replaced by A.
Protein change: p.Ala472Asp; replaces alanine 472 with aspartic acid.
Molecular consequence: missense variant. On other transcripts: non-coding transcript variant (1).
Genome position (GRCh38, 1-based): chr12:110,645,050, C>A. VCF-style: chr12-110645050-C-A. GRCh37 (hg19) VCF-style: chr12-111082855-C-A.
Other names: c.1415C>A, p.Ala472Asp (NM_001082537.3); c.1247C>A, p.Ala416Asp (NM_001173975.3); c.1088C>A, p.Ala363Asp (NM_001173976.2); c.1268C>A, p.Ala423Asp (NM_001319680.2); c.881C>A, p.Ala294Asp (NM_001319681.2); c.1373C>A, p.Ala458Asp (NM_024549.6); c.1415C>A (NM_001082538.2); short protein forms A472D, A458D, A294D, A363D, A416D, A423D.
Identifiers: ClinVar variation 2039624 (VCV002039624.2), dbSNP rs375516104, ClinGen allele CA243568238.
Genomic context (GRCh38, chr12:110,645,050, plus strand): 5'-AGCTCGTAGCACAGAAGGTGAAGAGCCTGCTGTGGGGCCAGGGCTTCCCAGATTACGTGG[C>A]CCCTTTTGGAAATTCCCAGGCCCAGGACATGCTGGACTGGGTGCCCATCCACTTCATCAC-3'
Protein context (NP_001076007.1, residues 462-482): LWGQGFPDYV[Ala472Asp]PFGNSQAQDM